The following is an entry in ClinVar:

ClinVar aggregate classification (germline): Likely benign. Review status: criteria provided, multiple submitters, no conflicts (2 of 4 stars). 4 submissions from 4 submitters: Likely benign (3). 1 of the submissions does not count toward it. Last evaluated 2026-01-29.

Conditions:
Inborn genetic diseases. Identifiers: MedGen C0950123, MeSH D030342.
SERPING1-related disorder. Also called: SERPING1-related condition.

Allele frequency attached by ClinVar (database versions not stated): ESP Exome Variant Server 0.00008; gnomAD exomes 0.00011 and 0.00012; ExAC 0.00013; gnomAD 0.00013; TOPMed 0.00013.
gnomAD v4.1: 188 of 1,614,160 alleles (0.012%); highest among the groups gnomAD compares: Middle Eastern, 0.099%; no homozygotes.

Submissions (4):

Labcorp Genetics (formerly Invitae), Labcorp
Classification: Likely benign. Last evaluated: 2026-01-29. Review status: criteria provided, single submitter. Criteria: Invitae Variant Classification Sherloc (09022015). Collection method: clinical testing. Allele origin: germline.

Blueprint Genetics
Classification: Likely benign. Last evaluated: 2024-10-14. Review status: criteria provided, single submitter. Criteria: ACMG Guidelines, 2015. Collection method: clinical testing. Allele origin: germline.

Ambry Genetics
Classification: Likely benign for Inborn genetic diseases. Last evaluated: 2023-05-05. Review status: criteria provided, single submitter. Criteria: Ambry Variant Classification Scheme 2023. Collection method: clinical testing. Allele origin: germline.

PreventionGenetics, part of Exact Sciences
Classification: Likely benign for SERPING1-related condition. Last evaluated: 2021-09-14. Review status: no assertion criteria provided. Collection method: clinical testing. Allele origin: germline. Not counted in ClinVar's aggregate classification.
Comment: This variant is classified as likely benign based on ACMG/AMP sequence variant interpretation guidelines (Richards et al. 2015 PMID: 25741868, with internal and published modifications).

NM_000062.3(SERPING1):c.768C>T (p.Asp256=)

Gene: SERPING1 (serpin family G member 1; plus strand). Cytogenetic location: 11q12.1.
Variant type: single nucleotide variant.
Coding change: c.768C>T on transcript NM_000062.3 (MANE Select); coding-DNA position 768, C replaced by T.
Protein change: p.Asp256=; no amino-acid change (aspartic acid 256 retained).
Molecular consequence: synonymous variant.
Genome position (GRCh38, 1-based): chr11:57,606,092, C>T. VCF-style: chr11-57606092-C-T. GRCh37 (hg19) VCF-style: chr11-57373565-C-T.
Other names: c.768C>T, p.Asp256= (NM_001032295.2); c.768C>T (NM_000062.2).
Identifiers: ClinVar variation 1595747 (VCV001595747.13), dbSNP rs146449093, ClinGen allele CA6008121.
Genomic context (GRCh38, chr11:57,606,092, plus strand): 5'-TGTGAATGCCTCTCGGACCCTGTACAGCAGCAGCCCCAGAGTCCTAAGCAACAACAGTGA[C>T]GCCAACTTGGAGCTCATCAACACCTGGGTGGCCAAGAACACCAACAACAAGATCAGCCGG-3'
Protein context (NP_000053.2, residues 246-266): SSPRVLSNNS[Asp256=]ANLELINTWV